The following is an entry in ClinVar:

ClinVar aggregate classification (germline): Likely benign. Review status: criteria provided, multiple submitters, no conflicts (2 of 4 stars). 3 submissions from 3 submitters: Likely benign (3). Last evaluated 2025-01-20.

Conditions:
RYR1-related disorder. Also called: RYR1-related condition; RYR1-related disorders. Identifiers: MedGen CN239331.
Malignant hyperthermia, susceptibility to, 1 (MHS1). Also called: Anesthesia related hyperthermia; Malignant hyperpyrexia; Fulminating hyperpyrexia; Pharmacogenic myopathy; Malignant hyperthermia suceptibility 1; RYR1-Related Malignant Hyperthermia Susceptibility. Identifiers: Orphanet 423, MedGen C2930980, MONDO:0007783, OMIM 145600.

Allele frequency attached by ClinVar (database versions not stated): TOPMed below 0.00001; gnomAD exomes 0.00001.

Submissions (3):

Labcorp Genetics (formerly Invitae), Labcorp
Classification: Likely benign for RYR1-related disorder. Last evaluated: 2025-01-20. Review status: criteria provided, single submitter. Criteria: Invitae Variant Classification Sherloc (09022015). Collection method: clinical testing. Allele origin: germline.

Color Diagnostics, LLC DBA Color Health
Classification: Likely benign for Malignant hyperthermia, susceptibility to, 1. Last evaluated: 2022-11-06. Review status: criteria provided, single submitter. Criteria: ACMG Guidelines, 2015. Collection method: clinical testing. Allele origin: germline.

GeneDx
Classification: Likely benign. Last evaluated: 2017-09-12. Review status: criteria provided, single submitter. Criteria: GeneDx Variant Classification (06012015). Collection method: clinical testing. Allele origin: germline. Affected: yes.
Comment: This variant is considered likely benign or benign based on one or more of the following criteria: it is a conservative change, it occurs at a poorly conserved position in the protein, it is predicted to be benign by multiple in silico algorithms, and/or has population frequency not consistent with disease.

NM_000540.3(RYR1):c.7071C>T (p.Leu2357=)

Gene: RYR1 (ryanodine receptor 1; plus strand). Cytogenetic location: 19q13.2.
Variant type: single nucleotide variant.
Coding change: c.7071C>T on transcript NM_000540.3 (MANE Select); coding-DNA position 7071, C replaced by T.
Protein change: p.Leu2357=; no amino-acid change (leucine 2357 retained).
Molecular consequence: synonymous variant.
Genome position (GRCh38, 1-based): chr19:38,499,678, C>T. VCF-style: chr19-38499678-C-T. GRCh37 (hg19) VCF-style: chr19-38990318-C-T.
Other names: c.7071C>T, p.Leu2357= (NM_001042723.2).
Identifiers: ClinVar variation 478265 (VCV000478265.10), dbSNP rs1400420801, ClinGen allele CA507353837.